The following is an entry in ClinVar:

ClinVar aggregate classification (germline): Uncertain significance. Review status: criteria provided, multiple submitters, no conflicts (2 of 4 stars). 2 submissions from 2 submitters: Uncertain significance (2). Last evaluated 2025-05-13.

Conditions:
Hereditary sensory and autonomic neuropathy type 7. Also called: HSAN VII; Neuropathy, hereditary sensory and autonomic, type VII. Identifiers: Orphanet 391397, MedGen C3809882, MONDO:0014244, OMIM 615548.
Familial episodic pain syndrome with predominantly lower limb involvement. Also called: Episodic pain syndrome, familial, 3. Identifiers: Orphanet 391384, Orphanet 391392, MedGen C3809899, MONDO:0014247, OMIM 615552.

gnomAD v4.1: 15 of 1,604,486 alleles (0.00093%); highest among the groups gnomAD compares: Non-Finnish European, 0.0013%; no homozygotes.

Submissions (2):

Labcorp Genetics (formerly Invitae), Labcorp
Classification: Uncertain significance for Familial episodic pain syndrome with predominantly lower limb involvement; Hereditary sensory and autonomic neuropathy type 7. Last evaluated: 2025-05-13. Review status: criteria provided, single submitter. Criteria: Invitae Variant Classification Sherloc (09022015). Collection method: clinical testing. Allele origin: germline.
Comment: This sequence change replaces arginine, which is basic and polar, with glycine, which is neutral and non-polar, at codon 982 of the SCN11A protein (p.Arg982Gly). This variant is not present in population databases (gnomAD no frequency). This variant has not been reported in the literature in individuals affected with SCN11A-related conditions. ClinVar contains an entry for this variant (Variation ID: 1364379). An algorithm developed to predict the effect of missense changes on protein structure and function (PolyPhen-2) suggests that this variant is likely to be tolerated. In summary, the available evidence is currently insufficient to determine the role of this variant in disease. Therefore, it has been classified as a Variant of Uncertain Significance.

Mayo Clinic Laboratories, Mayo Clinic
Classification: Uncertain significance. Last evaluated: 2023-12-05. Review status: criteria provided, single submitter. Criteria: ACMG Guidelines, 2015. Collection method: clinical testing. Allele origin: germline. Observed: 1 variant allele.
Comment: PM2_moderate

NM_001349253.2(SCN11A):c.2944C>G (p.Arg982Gly)

Gene: SCN11A (sodium voltage-gated channel alpha subunit 11; minus strand). Cytogenetic location: 3p22.2.
Variant type: single nucleotide variant.
Coding change: c.2944C>G on transcript NM_001349253.2 (MANE Select); coding-DNA position 2944, C replaced by G.
Protein change: p.Arg982Gly; replaces arginine 982 with glycine.
Molecular consequence: missense variant.
Genome position (GRCh38, 1-based): chr3:38,886,130, G>C on the plus strand (C>G on the coding strand, the complement: SCN11A is on the minus strand). VCF-style: chr3-38886130-G-C. GRCh37 (hg19) VCF-style: chr3-38927621-G-C.
Other names: p.Arg982Gly; c.2944C>G, p.Arg982Gly (NM_014139.3); c.2944C>G (NM_014139.2); short protein forms R982G.
Identifiers: ClinVar variation 1364379 (VCV001364379.7), dbSNP rs145290679, ClinGen allele CA352174017.